The following is an entry in ClinVar:

ClinVar aggregate classification (germline): Uncertain significance (1 of 4 stars; one submission).

Conditions:
Kabuki syndrome 1 (KABUK1). Also called: KMT2D-Related Kabuki Syndrome. Identifiers: Orphanet 2322, MedGen CN030661, MONDO:0007843, OMIM 147920.

Submission:

3billion
Classification: Uncertain significance for Kabuki syndrome 1. Last evaluated: 2021-10-25. Review status: criteria provided, single submitter. Criteria: ACMG Guidelines, 2015. Collection method: clinical testing. Allele origin: unknown. Affected: yes. Observed: 1 heterozygote.
Comment: Inframe insertion located in a nonrepeat region: predicted to change the length of the protein and disrupt normal protein function. It is not observed in the gnomAD v2.1.1 dataset (PM2). Therefore, this variant is classified as uncertain significance according to the recommendation of ACMG/AMP guideline.

NM_003482.4(KMT2D):c.10151_10171dup (p.Thr3384_Cys3390dup)

Gene: KMT2D (lysine methyltransferase 2D; minus strand). Cytogenetic location: 12q13.12.
Variant type: Duplication.
Coding change: c.10151_10171dup on transcript NM_003482.4 (MANE Select); coding-DNA positions 10151 to 10171, 21 bases duplicated (CCATGCCACCTTCCATGTGCA).
Protein change: p.Thr3384_Cys3390dup.
Molecular consequence: inframe insertion.
Genome position (GRCh38, 1-based): chr12:49,037,185-49,037,205, TGCACATGGAAGGTGGCATGG duplicated on the plus strand (CCATGCCACCTTCCATGTGCA on the coding strand, the reverse complement: KMT2D is on the minus strand); duplicating any 21 consecutive bases within chr12:49,037,185-49,037,208 gives the same sequence; the c. name uses the placement nearest the transcript's 3' end. VCF-style (leftmost placement, unchanged base first): chr12-49037184-A-ATGCACATGGAAGGTGGCATGG. GRCh37 (hg19) VCF-style: chr12-49430967-A-ATGCACATGGAAGGTGGCATGG.
Identifiers: ClinVar variation 1321273 (VCV001321273.1), dbSNP rs2120475317, ClinGen allele CA2573053685.